The following is an entry in ClinVar:

ClinVar aggregate classification (germline): Uncertain significance (1 of 4 stars; one submission).

Conditions:
Lower motor neuron syndrome with late-adult onset (SMAJ). Also called: Spinal muscular atrophy, Jokela type; Late-Onset Spinal Motor Neuronopathy (SMAJ). Identifiers: Orphanet 276435, MedGen C3554398, MONDO:0014025, OMIM 615048.
Autosomal dominant mitochondrial myopathy with exercise intolerance (IMMD). Also called: Myopathy, isolated mitochondrial, autosomal dominant. Identifiers: Orphanet 457050, MedGen C4015513, MONDO:0014532, OMIM 616209.
Frontotemporal dementia and/or amyotrophic lateral sclerosis 2. Also called: FTDALS2. Identifiers: Orphanet 275872, MedGen C4014648, MONDO:0014395, OMIM 615911.

Allele frequency attached by ClinVar (database versions not stated): gnomAD exomes below 0.00001.

Submission:

Labcorp Genetics (formerly Invitae), Labcorp
Classification: Uncertain significance for Lower motor neuron syndrome with late-adult onset; Frontotemporal dementia and/or amyotrophic lateral sclerosis 2; Autosomal dominant mitochondrial myopathy with exercise intolerance. Last evaluated: 2023-10-11. Review status: criteria provided, single submitter. Criteria: Invitae Variant Classification Sherloc (09022015). Collection method: clinical testing. Allele origin: germline.
Comment: This sequence change creates a premature translational stop signal (p.Ala92Leufs*38) in the CHCHD10 gene. While this is not anticipated to result in nonsense mediated decay, it is expected to disrupt the last 51 amino acid(s) of the CHCHD10 protein. This variant is not present in population databases (gnomAD no frequency). This variant has not been reported in the literature in individuals affected with CHCHD10-related conditions. In summary, the available evidence is currently insufficient to determine the role of this variant in disease. Therefore, it has been classified as a Variant of Uncertain Significance.

NM_213720.3(CHCHD10):c.274del (p.Ala92fs)

Gene: CHCHD10 (coiled-coil-helix-coiled-coil-helix domain containing 10; minus strand). Cytogenetic location: 22q11.23.
Variant type: Deletion.
Coding change: c.274del on transcript NM_213720.3 (MANE Select); coding-DNA position 274, one base deleted (G; older notation c.274delG).
Protein change: p.Ala92fs; shifts the reading frame from alanine 92.
Molecular consequence: frameshift variant. On other transcripts: non-coding transcript variant (2).
Genome position (GRCh38, 1-based): chr22:23,766,263, C deleted on the plus strand (G on the coding strand, the reverse complement: CHCHD10 is on the minus strand). VCF-style (leftmost placement, unchanged base first): chr22-23766262-GC-G. GRCh37 (hg19) VCF-style: chr22-24108449-GC-G.
Other names: c.295del, p.Ala99fs (NM_001301339.2); short protein forms A99fs, A92fs.
Identifiers: ClinVar variation 2952775 (VCV002952775.3), dbSNP rs2517618074, ClinGen allele CA2655693756.